The following is an entry in ClinVar:

ClinVar aggregate classification (germline): Conflicting classifications of pathogenicity. Review status: criteria provided, conflicting classifications (1 of 4 stars). 3 submissions from 3 submitters: Uncertain significance (1); Likely benign (2). Last evaluated 2026-09-01.

Conditions:
Kabuki syndrome. Also called: NIIKAWA-KUROKI SYNDROME; Kabuki make-up syndrome. Identifiers: Orphanet 2322, MedGen C0796004, MONDO:0016512.
Kabuki syndrome 1 (KABUK1). Also called: KMT2D-Related Kabuki Syndrome. Identifiers: Orphanet 2322, MedGen CN030661, MONDO:0007843, OMIM 147920.

Allele frequency attached by ClinVar (database versions not stated): gnomAD exomes below 0.00001; ExAC 0.00001; TOPMed 0.00001; ESP Exome Variant Server 0.00008.
gnomAD v4.1: 4 of 1,614,074 alleles (0.00025%); highest among the groups gnomAD compares: South Asian, 0.0011%; no homozygotes.

Submissions (3):

CeGaT Center for Human Genetics Tuebingen
Classification: Likely benign. Last evaluated: 2026-09-01. Review status: criteria provided, single submitter. Criteria: CeGaT Center For Human Genetics Tuebingen Variant Classification Criteria Version 2. Collection method: clinical testing. Allele origin: germline. Affected: yes. Observed: 3 variant alleles.
Comment: KMT2D: PP3, BS2

Victorian Clinical Genetics Services, Murdoch Childrens Research Institute
Classification: Likely benign for Kabuki syndrome 1. Last evaluated: 2024-10-08. Review status: criteria provided, single submitter. Criteria: ACMG Guidelines, 2015. Collection method: clinical testing. Allele origin: germline. Inheritance: Autosomal dominant inheritance. Affected: yes.
Comment: Based on the classification scheme VCGS_Germline_v1.3.4, this variant is classified as Likely Benign. Following criteria are met: 0102 - Loss of function is a known mechanism of disease in this gene and is associated with Kabuki syndrome 1 (MIM#147920), and branchial arch abnormalities, choanal atresia, athelia, hearing loss, and hypothyroidism syndrome (MIM#620186). (I) 0107 - This gene is associated with autosomal dominant disease. (I) 0115 - Variants in this gene are known to have variable expressivity (PMID: 21882399). (I) 0200 - Variant is predicted to result in a missense amino acid change from arginine to tryptophan. (I) 0251 - This variant is heterozygous. (I) 0301 - Variant is absent from gnomAD (both v2 and v3). (SP) 0501 - Missense variant consistently predicted to be damaging by multiple in silico tools or highly conserved with a major amino acid change. (SP) 0604 - Variant is not located in an established domain, motif, hotspot or informative constraint region. (I) 0705 - No comparable missense variants have previous evidence for pathogenicity. (I) 0809 - Previous evidence of pathogenicity for this variant is inconclusive. This variant has been reported once as a VUS (ClinVar), and observed in a control cohort (PMID: 30459467). (I) 0905 - No published segregation evidence has been identified for this variant. (I) 1007 - No published functional evidence has been identified for this variant. (I) 1208 - Inheritance information for this variant is not currently available in this individual. (I) Legend: (SP) - Supporting pathogenic, (I) - Information, (SB) - Supporting benign

Labcorp Genetics (formerly Invitae), Labcorp
Classification: Uncertain significance for Kabuki syndrome. Last evaluated: 2023-08-04. Review status: criteria provided, single submitter. Criteria: Invitae Variant Classification Sherloc (09022015). Collection method: clinical testing. Allele origin: germline.
Comment: In summary, the available evidence is currently insufficient to determine the role of this variant in disease. Therefore, it has been classified as a Variant of Uncertain Significance. Advanced modeling of protein sequence and biophysical properties (such as structural, functional, and spatial information, amino acid conservation, physicochemical variation, residue mobility, and thermodynamic stability) performed at Invitae indicates that this missense variant is not expected to disrupt KMT2D protein function. ClinVar contains an entry for this variant (Variation ID: 1176940). This variant has not been reported in the literature in individuals affected with KMT2D-related conditions. This variant is present in population databases (rs375118713, gnomAD 0.007%). This sequence change replaces arginine, which is basic and polar, with tryptophan, which is neutral and slightly polar, at codon 1614 of the KMT2D protein (p.Arg1614Trp).

Literature cited by the submitters: PubMed 21882399 (cited by Victorian Clinical Genetics Services, Murdoch Childrens Research Institute); PubMed 30459467 (cited by Victorian Clinical Genetics Services, Murdoch Childrens Research Institute).

NM_003482.4(KMT2D):c.4840C>T (p.Arg1614Trp)

Gene: KMT2D (lysine methyltransferase 2D; minus strand). Cytogenetic location: 12q13.12.
Variant type: single nucleotide variant.
Coding change: c.4840C>T on transcript NM_003482.4 (MANE Select); coding-DNA position 4840, C replaced by T.
Protein change: p.Arg1614Trp; replaces arginine 1614 with tryptophan.
Molecular consequence: missense variant.
Genome position (GRCh38, 1-based): chr12:49,044,867, G>A on the plus strand (C>T on the coding strand, the complement: KMT2D is on the minus strand). VCF-style: chr12-49044867-G-A. GRCh37 (hg19) VCF-style: chr12-49438650-G-A.
Other names: c.4840C>T (NM_003482.3); short protein forms R1614W.
Identifiers: ClinVar variation 1176940 (VCV001176940.39), dbSNP rs375118713, ClinGen allele CA6547702.